The following is an entry in ClinVar:

ClinVar aggregate classification (germline): Uncertain significance (1 of 4 stars; one submission).

Allele frequency attached by ClinVar (database versions not stated): gnomAD 0.00003; TOPMed 0.00003; ExAC 0.00004.
gnomAD v4.1: 33 of 1,612,840 alleles (0.002%); highest among the groups gnomAD compares: East Asian, 0.016%; no homozygotes.

Submission:

Labcorp Genetics (formerly Invitae), Labcorp
Classification: Uncertain significance. Last evaluated: 2024-05-15. Review status: criteria provided, single submitter. Criteria: Invitae Variant Classification Sherloc (09022015). Collection method: clinical testing. Allele origin: germline.
Comment: This sequence change replaces arginine, which is basic and polar, with histidine, which is basic and polar, at codon 900 of the LAMC3 protein (p.Arg900His). This variant is present in population databases (rs781114465, gnomAD 0.03%). This variant has not been reported in the literature in individuals affected with LAMC3-related conditions. ClinVar contains an entry for this variant (Variation ID: 1444607). Algorithms developed to predict the effect of missense changes on protein structure and function output the following: SIFT: "Not Available"; PolyPhen-2: "Benign"; Align-GVGD: "Not Available". The histidine amino acid residue is found in multiple mammalian species, which suggests that this missense change does not adversely affect protein function. In summary, the available evidence is currently insufficient to determine the role of this variant in disease. Therefore, it has been classified as a Variant of Uncertain Significance.

NM_006059.4(LAMC3):c.2699G>A (p.Arg900His)

Gene: LAMC3 (laminin subunit gamma 3; plus strand). Cytogenetic location: 9q34.12.
Variant type: single nucleotide variant.
Coding change: c.2699G>A on transcript NM_006059.4 (MANE Select); coding-DNA position 2699, G replaced by A.
Protein change: p.Arg900His; replaces arginine 900 with histidine.
Molecular consequence: missense variant.
Genome position (GRCh38, 1-based): chr9:131,068,183, G>A. VCF-style: chr9-131068183-G-A. GRCh37 (hg19) VCF-style: chr9-133943570-G-A.
Other names: short protein forms R900H.
Identifiers: ClinVar variation 1444607 (VCV001444607.5), dbSNP rs781114465, ClinGen allele CA5287537.